The following is an entry in ClinVar:

NM_000548.5(TSC2):c.297C>T (p.His99=)

Gene: TSC2 (TSC complex subunit 2; plus strand). Cytogenetic location: 16p13.3.
Variant type: single nucleotide variant.
Coding change: c.297C>T on transcript NM_000548.5 (MANE Select); coding-DNA position 297, C replaced by T.
Protein change: p.His99=; no amino-acid change (histidine 99 retained).
Molecular consequence: synonymous variant. On other transcripts: intron variant (2).
Genome position (GRCh38, 1-based): chr16:2,053,413, C>T. VCF-style: chr16-2053413-C-T. GRCh37 (hg19) VCF-style: chr16-2103414-C-T.
Other names: c.297C>T, p.His99= (NM_001077183.3, NM_001114382.3, NM_001363528.2 and 3 more transcripts); c.150C>T, p.His50= (NM_001318829.2); c.330C>T, p.His110= (NM_001318832.2); c.226-883C>T (NM_001318827.2); c.-1-2783C>T (NM_001318831.2); c.297C>T (NM_000548.4).
Identifiers: ClinVar variation 467983 (VCV000467983.65), dbSNP rs752498350, ClinGen allele CA043607.

ClinVar aggregate classification (germline): Benign/Likely benign. Review status: criteria provided, multiple submitters, no conflicts (2 of 4 stars). 10 submissions from 10 submitters: Benign (3); Likely benign (6). 1 of the submissions does not count toward it. Last evaluated 2026-01-27.

Conditions:
Tuberous sclerosis 2 (TSC2). Identifiers: Orphanet 805, MedGen C1860707, MONDO:0013199, OMIM 613254.
TSC2-related disorder. Also called: TSC2-related condition; TSC2-Related Disorders.
Hereditary cancer-predisposing syndrome. Also called: Hereditary neoplastic syndrome; Tumor predisposition; Neoplastic Syndromes, Hereditary; Hereditary Cancer Syndrome. Identifiers: Orphanet 140162, MedGen C0027672, MeSH D009386, MONDO:0015356.
Tuberous sclerosis syndrome (TSC). Also called: Tuberous Sclerosis Complex; Tuberous sclerosis. Identifiers: Orphanet 805, MedGen C0041341, MONDO:0001734.

Allele frequency attached by ClinVar (database versions not stated): TOPMed 0.00001; gnomAD exomes 0.00003 and 0.00004; ExAC 0.00006.
gnomAD v4.1: 72 of 1,586,634 alleles (0.0045%); highest among the groups gnomAD compares: Middle Eastern, 0.19%; 1 homozygote.

Submissions (10):

Labcorp Genetics (formerly Invitae), Labcorp
Classification: Benign for Tuberous sclerosis 2. Last evaluated: 2026-01-27. Review status: criteria provided, single submitter. Criteria: Invitae Variant Classification Sherloc (09022015). Collection method: clinical testing. Allele origin: germline.

CeGaT Center for Human Genetics Tuebingen
Classification: Likely benign. Last evaluated: 2025-12-01. Review status: criteria provided, single submitter. Criteria: CeGaT Center For Human Genetics Tuebingen Variant Classification Criteria Version 2. Collection method: clinical testing. Allele origin: germline. Affected: yes. Observed: 6 variant alleles.
Comment: TSC2: BP4, BP7

Myriad Genetics, Inc.
Classification: Benign for Tuberous sclerosis 2. Last evaluated: 2025-05-02. Review status: criteria provided, single submitter. Criteria: Myriad Autosomal Dominant, Autosomal Recessive and X-Linked Classification Criteria (2023). Collection method: clinical testing. Allele origin: unknown.
Comment: This variant is considered benign. This variant is a silent/synonymous amino acid change and it is not expected to impact splicing.

Blueprint Genetics
Classification: Likely benign. Last evaluated: 2024-09-23. Review status: criteria provided, single submitter. Criteria: ACMG Guidelines, 2015. Collection method: clinical testing. Allele origin: germline.

Color Diagnostics, LLC DBA Color Health
Classification: Likely benign for Tuberous sclerosis syndrome. Last evaluated: 2023-06-08. Review status: criteria provided, single submitter. Criteria: ACMG Guidelines, 2015. Collection method: clinical testing. Allele origin: germline.

Sema4
Classification: Likely benign for Hereditary cancer-predisposing syndrome. Last evaluated: 2022-03-15. Review status: criteria provided, single submitter. Criteria: Sema4 Curation Guidelines. Collection method: curation. Allele origin: germline.

Genome-Nilou Lab
Classification: Benign for Tuberous sclerosis 2. Last evaluated: 2021-11-07. Review status: criteria provided, single submitter. Criteria: ACMG Guidelines, 2015. Collection method: clinical testing. Allele origin: germline. Affected: no.

Illumina Laboratory Services, Illumina
Classification: Likely benign for Tuberous sclerosis syndrome. Last evaluated: 2018-01-12. Review status: criteria provided, single submitter. Criteria: ICSL Variant Classification Criteria 13 December 2019. Collection method: clinical testing. Allele origin: germline.
Comment: This variant was observed in the ICSL laboratory as part of a predisposition screen in an ostensibly healthy population. It had not been previously curated by ICSL or reported in the Human Gene Mutation Database (HGMD: prior to June 1st, 2018), and was therefore a candidate for classification through an automated scoring system. Utilizing variant allele frequency, disease prevalence and penetrance estimates, and inheritance mode, an automated score was calculated to assess if this variant is too frequent to cause the disease. Based on the score and internal cut-off values, a variant classified as likely benign is not then subjected to further curation. The score for this variant resulted in a classification of likely benign for this disease.

Ambry Genetics
Classification: Likely benign for Hereditary cancer-predisposing syndrome. Last evaluated: 2015-09-23. Review status: criteria provided, single submitter. Criteria: Ambry Variant Classification Scheme 2023. Collection method: clinical testing. Allele origin: germline.

PreventionGenetics, part of Exact Sciences
Classification: Likely benign for TSC2-related condition. Last evaluated: 2020-07-28. Review status: no assertion criteria provided. Collection method: clinical testing. Allele origin: germline. Not counted in ClinVar's aggregate classification.
Comment: This variant is classified as likely benign based on ACMG/AMP sequence variant interpretation guidelines (Richards et al. 2015 PMID: 25741868, with internal and published modifications).